The following is an entry in ClinVar:

ClinVar aggregate classification (germline): Uncertain significance (1 of 4 stars; one submission).

Submission:

Labcorp Genetics (formerly Invitae), Labcorp
Classification: Uncertain significance. Last evaluated: 2023-09-30. Review status: criteria provided, single submitter. Criteria: Invitae Variant Classification Sherloc (09022015). Collection method: clinical testing. Allele origin: germline.
Comment: In summary, the available evidence is currently insufficient to determine the role of this variant in disease. Therefore, it has been classified as a Variant of Uncertain Significance. An algorithm developed to predict the effect of missense changes on protein structure and function (PolyPhen-2) suggests that this variant is likely to be disruptive. This variant has not been reported in the literature in individuals affected with DLL1-related conditions. This variant is not present in population databases (gnomAD no frequency). This sequence change replaces glutamic acid, which is acidic and polar, with glutamine, which is neutral and polar, at codon 599 of the DLL1 protein (p.Glu599Gln).

NM_005618.4(DLL1):c.1795G>C (p.Glu599Gln)

Gene: DLL1 (delta like canonical Notch ligand 1; minus strand). Cytogenetic location: 6q27.
Variant type: single nucleotide variant.
Coding change: c.1795G>C on transcript NM_005618.4 (MANE Select); coding-DNA position 1795, G replaced by C.
Protein change: p.Glu599Gln; replaces glutamic acid 599 with glutamine.
Molecular consequence: missense variant.
Genome position (GRCh38, 1-based): chr6:170,283,484, C>G on the plus strand (G>C on the coding strand, the complement: DLL1 is on the minus strand). VCF-style: chr6-170283484-C-G. GRCh37 (hg19) VCF-style: chr6-170592572-C-G.
Other names: short protein forms E599Q.
Identifiers: ClinVar variation 2764651 (VCV002764651.3), dbSNP rs2483346074, ClinGen allele CA366506548.